The following is an entry in ClinVar:

NM_000218.3(KCNQ1):c.1962G>A (p.Leu654=)

Genes: KCNQ1 (potassium voltage-gated channel subfamily Q member 1; plus strand), KCNQ1-AS1 (KCNQ1 antisense RNA 1; minus strand). Cytogenetic location: 11p15.4.
Variant type: single nucleotide variant.
Coding change: c.1962G>A on transcript NM_000218.3 (MANE Select); coding-DNA position 1962, G replaced by A.
Protein change: p.Leu654=; no amino-acid change (leucine 654 retained).
Molecular consequence: synonymous variant.
Genome position (GRCh38, 1-based): chr11:2,847,934, G>A. VCF-style: chr11-2847934-G-A. GRCh37 (hg19) VCF-style: chr11-2869164-G-A.
Other names: c.1866G>A, p.Leu622= (NM_001406836.1); c.1692G>A, p.Leu564= (NM_001406837.1); c.1422G>A, p.Leu474= (NM_001406838.1); c.474G>A, p.Leu158= (NM_001406839.1); c.1581G>A, p.Leu527= (NM_181798.2).
Identifiers: ClinVar variation 2567549 (VCV002567549.4), dbSNP rs749198171, ClinGen allele CA472466929.

ClinVar aggregate classification (germline): Likely benign. Review status: criteria provided, multiple submitters, no conflicts (2 of 4 stars). 3 submissions from 3 submitters: Likely benign (3). Last evaluated 2025-05-26.

Conditions:
Cardiovascular phenotype. Identifiers: MedGen CN230736.
Long QT syndrome (LQTS). Identifiers: MedGen C0023976, MeSH D008133, MONDO:0002442. Disease mechanism: loss of function. Inheritance: Various modes of inheritance.

Submissions (3):

Labcorp Genetics (formerly Invitae), Labcorp
Classification: Likely benign for Long QT syndrome. Last evaluated: 2025-05-26. Review status: criteria provided, single submitter. Criteria: Invitae Variant Classification Sherloc (09022015). Collection method: clinical testing. Allele origin: germline.

All of Us Research Program, National Institutes of Health
Classification: Likely benign for Long QT syndrome. Last evaluated: 2023-12-13. Review status: criteria provided, single submitter. Criteria: ACMG Guidelines, 2015. Collection method: clinical testing. Allele origin: germline. Inheritance: Autosomal dominant inheritance. Observed: 1 variant allele, 1 heterozygote.
Comment: This study involves interpretation of variants in research participants for the purpose of population health screening. Participant phenotype was not available at the time of variant classification. Additional details can be found in publication PMID: 35346344, PMCID: PMC8962531

Ambry Genetics
Classification: Likely benign for Cardiovascular phenotype. Last evaluated: 2023-05-21. Review status: criteria provided, single submitter. Criteria: Ambry Variant Classification Scheme 2023. Collection method: clinical testing. Allele origin: germline.